The following is an entry in ClinVar:

NM_002180.3(IGHMBP2):c.845C>T (p.Ala282Val)

Gene: IGHMBP2 (immunoglobulin mu DNA binding protein 2; plus strand). Cytogenetic location: 11q13.3.
Variant type: single nucleotide variant.
Coding change: c.845C>T on transcript NM_002180.3 (MANE Select); coding-DNA position 845, C replaced by T.
Protein change: p.Ala282Val; replaces alanine 282 with valine.
Molecular consequence: missense variant.
Genome position (GRCh38, 1-based): chr11:68,914,956, C>T. VCF-style: chr11-68914956-C-T. GRCh37 (hg19) VCF-style: chr11-68682424-C-T.
Other names: short protein forms A282V.
Identifiers: ClinVar variation 1763453 (VCV001763453.2), dbSNP rs764672352, ClinGen allele CA6153408.
Genomic context (GRCh38, chr11:68,914,956, plus strand): 5'-TTCTGCGCCTGGGACACCCTGCCCGCCTCCTGGAGTCCATTCAGCAGCACTCCCTGGATG[C>T]GGTTTTAGCGCGGAGCGACAGTGCCCAGATTGTTGCAGATATCAGGAAGGACATCGACCA-3'
Protein context (NP_002171.2, residues 272-292): LESIQQHSLD[Ala282Val]VLARSDSAQI

ClinVar aggregate classification (germline): Uncertain significance (1 of 4 stars; one submission).

Conditions:
Inborn genetic diseases. Identifiers: MedGen C0950123, MeSH D030342.

Allele frequency attached by ClinVar (database versions not stated): ExAC 0.00002; gnomAD 0.00002; gnomAD exomes 0.00002; TOPMed 0.00003.
gnomAD v4.1: 35 of 1,614,102 alleles (0.0022%); highest among the groups gnomAD compares: South Asian, 0.014%; no homozygotes.

Submission:

Ambry Genetics
Classification: Uncertain significance for Inborn genetic diseases. Last evaluated: 2021-03-17. Review status: criteria provided, single submitter. Criteria: Ambry Variant Classification Scheme 2023. Collection method: clinical testing. Allele origin: germline.
Comment: The p.A282V variant (also known as c.845C>T), located in coding exon 6 of the IGHMBP2 gene, results from a C to T substitution at nucleotide position 845. The alanine at codon 282 is replaced by valine, an amino acid with similar properties. This amino acid position is highly conserved in available vertebrate species. In addition, the in silico prediction for this alteration is inconclusive. Since supporting evidence is limited at this time, the clinical significance of this alteration remains unclear.